The following is an entry in ClinVar:

NM_000088.4(COL1A1):c.1405C>T (p.Arg469Ter)

Gene: COL1A1 (collagen type I alpha 1 chain; minus strand). Cytogenetic location: 17q21.33.
Variant type: single nucleotide variant.
Coding change: c.1405C>T on transcript NM_000088.4 (MANE Select); coding-DNA position 1405, C replaced by T.
Protein change: p.Arg469Ter; replaces arginine 469 with a stop codon.
Molecular consequence: nonsense.
Genome position (GRCh38, 1-based): chr17:50,194,777, G>A on the plus strand (C>T on the coding strand, the complement: COL1A1 is on the minus strand). VCF-style: chr17-50194777-G-A. GRCh37 (hg19) VCF-style: chr17-48272138-G-A.
Other names: short protein forms R469*.
Identifiers: ClinVar variation 265434 (VCV000265434.19), dbSNP rs762428889, ClinGen allele CA10588665.
Genomic context (GRCh38, chr17:50,194,777, plus strand): 5'-TTACACGCTCGCCAGGGGGTCCGGGCAGGCCAGTGGGTCCGGGTTCACCTCGAGCTCCTC[G>A]CTTTCCTTCCTCTCCAGCAGGGCCAGGGGGTCCTTGAACACCAACAGGGCCCTGGAGAGG-3'

ClinVar aggregate classification (germline): Pathogenic. Review status: criteria provided, multiple submitters, no conflicts (2 of 4 stars). 7 submissions from 7 submitters: Pathogenic (7). Last evaluated 2025-11-26.

Conditions:
COL1A1-related disorder. Also called: COL1A1- related disease; COL1A1-related condition.
Osteogenesis imperfecta type I (OI1). Also called: OI, TYPE I; OSTEOGENESIS IMPERFECTA TARDA; OSTEOGENESIS IMPERFECTA WITH BLUE SCLERAE; Osteogenesis imperfecta type 1; Lobstein's Disease; Classic Non-deforming Osteogenesis Imperfecta with Blue Sclerae. Identifiers: Orphanet 216796, Orphanet 666, MedGen C0023931, MONDO:0008146, OMIM 166200. Disease mechanism: loss of function.

Submissions (7):

Dasa
Classification: Pathogenic. Last evaluated: 2025-11-26. Review status: criteria provided, single submitter. Criteria: DASA Assertion Criteria. Collection method: clinical testing. Allele origin: germline.
Comment: NM_000088.4(COL1A1):c.1405C>T (p.Arg469*) introduces a premature termination codon predicted to result in loss of normal protein function. Loss-of-function is an established mechanism of disease for this gene. This variant has been recurrently observed in individuals with related phenotype (PMID: 19358256; PMID: 27509835). The variant is present at low frequency in population datasets. Based on the available data, this variant is classified as pathogenic.

Labcorp Genetics (formerly Invitae), Labcorp
Classification: Pathogenic for Osteogenesis imperfecta type I. Last evaluated: 2025-08-17. Review status: criteria provided, single submitter. Criteria: Invitae Variant Classification Sherloc (09022015). Collection method: clinical testing. Allele origin: germline.
Comment: This sequence change creates a premature translational stop signal (p.Arg469*) in the COL1A1 gene. It is expected to result in an absent or disrupted protein product. Loss-of-function variants in COL1A1 are known to be pathogenic (PMID: 7942841, 9295084, 9443882). This variant is not present in population databases (gnomAD no frequency). This premature translational stop signal has been observed in individuals with osteogenesis imperfecta (PMID: 19358256, 27509835; internal data). ClinVar contains an entry for this variant (Variation ID: 265434). For these reasons, this variant has been classified as Pathogenic.

MVZ Martinsried, Medicover Genetics
Classification: Pathogenic for Osteogenesis imperfecta type I. Last evaluated: 2025-06-20. Review status: criteria provided, single submitter. Criteria: ACGS Guidelines, 2020. Collection method: clinical testing. Allele origin: unknown. Affected: yes. Observed: 1 heterozygote.

Clinical Biomedical Laboratory, Shriners Hospital For Children - Canada
Classification: Pathogenic for Osteogenesis imperfecta type I. Last evaluated: 2025-05-23. Review status: criteria provided, single submitter. Criteria: ACMG Guidelines, 2015. Collection method: clinical testing. Allele origin: germline. Affected: yes.
Comment: This variant introduces a premature stop codon in exon 21 and is expected to lead to degradation of the affected transcript. Variants introducing premature stop codons in COL1A1 are a typical cause of osteogenesis imperfecta type I. This variant is absent from the Genome Aggregation Database (v2.1.1). This variant has been reported in the literature (PMID:27509835) as a cause of osteogenesis imperfecta.

GeneDx
Classification: Pathogenic. Last evaluated: 2023-10-03. Review status: criteria provided, single submitter. Criteria: GeneDx Variant Classification Process June 2021. Collection method: clinical testing. Allele origin: germline. Affected: yes.
Comment: Nonsense variant predicted to result in protein truncation or nonsense mediated decay in a gene for which loss-of-function is a known mechanism of disease; Not observed at significant frequency in large population cohorts (gnomAD); This variant is associated with the following publications: (PMID: 25086671, 32667677, 33470886, 31319225, 19358256, 27509835, 32770541, 30715774, 35154279)

Clinical Genetics Laboratory, Skane University Hospital Lund
Classification: Pathogenic. Last evaluated: 2022-05-27. Review status: criteria provided, single submitter. Criteria: ACMG Guidelines, 2015. Collection method: clinical testing. Allele origin: germline. Affected: yes.

Blueprint Genetics
Classification: Pathogenic for COL1A1-related disorders. Last evaluated: 2020-07-28. Review status: criteria provided, single submitter. Criteria: ACMG Guidelines, 2015. Collection method: clinical testing. Allele origin: germline. Affected: yes. Observed: 1 variant allele.

Literature cited by the submitters: PubMed 19358256 (cited by Dasa and Labcorp Genetics (formerly Invitae), Labcorp); PubMed 27509835 (cited by 3 submitters); PubMed 7942841 (cited by Labcorp Genetics (formerly Invitae), Labcorp); PubMed 9295084 (cited by Labcorp Genetics (formerly Invitae), Labcorp); PubMed 9443882 (cited by Labcorp Genetics (formerly Invitae), Labcorp).